The following is an entry in ClinVar:

ClinVar aggregate classification (germline): Uncertain significance (1 of 4 stars; one submission).

Conditions:
Intellectual developmental disorder, autosomal dominant 42. Also called: GNB1 Encephalopathy; Intellectual disability, autosomal dominant 42; Global developmental delay-neuro-ophthalmological abnormalities-seizures-intellectual disability syndrome. Identifiers: Orphanet 488613, MedGen C4310774, MONDO:0014855, OMIM 616973.

Submission:

3billion
Classification: Uncertain significance for Intellectual developmental disorder, autosomal dominant 42. Last evaluated: 2024-12-12. Review status: criteria provided, single submitter. Criteria: ACMG Guidelines, 2015. Collection method: clinical testing. Allele origin: germline. Affected: yes.
Comment: The variant is not observed in the gnomAD v4.1.0 dataset. Predicted Consequence/Location: Missense variant. Missense changes are a common disease-causing mechanism. In silico tool predictions suggest damaging effect of the variant on gene or gene product [REVEL: 0.47 (>=0.6, sensitivity 0.68 and specificity 0.92); 3Cnet: 0.63 (>=0.6, sensitivity 0.72 and precision 0.9)]. Therefore, this variant is classified as VUS according to the recommendation of ACMG/AMP guideline.

NM_002074.5(GNB1):c.484G>A (p.Gly162Arg)

Gene: GNB1 (G protein subunit beta 1; minus strand). Cytogenetic location: 1p36.33.
Variant type: single nucleotide variant.
Coding change: c.484G>A on transcript NM_002074.5 (MANE Select); coding-DNA position 484, G replaced by A.
Protein change: p.Gly162Arg; replaces glycine 162 with arginine.
Molecular consequence: missense variant.
Genome position (GRCh38, 1-based): chr1:1,793,258, C>T on the plus strand (G>A on the coding strand, the complement: GNB1 is on the minus strand). VCF-style: chr1-1793258-C-T. GRCh37 (hg19) VCF-style: chr1-1724697-C-T.
Other names: c.184G>A, p.Gly62Arg (NM_001282538.2); c.484G>A, p.Gly162Arg (NM_001282539.2); short protein forms G162R, G62R.
Identifiers: ClinVar variation 4291894 (VCV004291894.1).